The following is an entry in ClinVar:

NM_001253697.2(ERBIN):c.3118A>G (p.Thr1040Ala)

Gene: ERBIN (erbb2 interacting protein; plus strand). Cytogenetic location: 5q12.3.
Variant type: single nucleotide variant.
Coding change: c.3118A>G on transcript NM_001253697.2 (MANE Select); coding-DNA position 3118, A replaced by G.
Protein change: p.Thr1040Ala; replaces threonine 1040 with alanine.
Molecular consequence: missense variant.
Genome position (GRCh38, 1-based): chr5:66,054,436, A>G. VCF-style: chr5-66054436-A-G. GRCh37 (hg19) VCF-style: chr5-65350264-A-G.
Other names: c.3118A>G, p.Thr1040Ala (NM_001006600.3, NM_001253698.2, NM_001253699.2 and 1 more transcripts); c.3106A>G, p.Thr1036Ala (NM_001253701.2); short protein forms T1036A, T1040A.
Identifiers: ClinVar variation 1432756 (VCV001432756.8), dbSNP rs768204257, ClinGen allele CA3286591.

ClinVar aggregate classification (germline): Uncertain significance (1 of 4 stars; one submission).

Allele frequency attached by ClinVar (database versions not stated): ExAC 0.00002; gnomAD 0.00002 and 0.00003; gnomAD exomes 0.00002; TOPMed 0.00003.
gnomAD v4.1: 29 of 1,614,076 alleles (0.0018%); highest among the groups gnomAD compares: African/African-American, 0.0027%; no homozygotes.

Submission:

Labcorp Genetics (formerly Invitae), Labcorp
Classification: Uncertain significance. Last evaluated: 2025-03-04. Review status: criteria provided, single submitter. Criteria: Invitae Variant Classification Sherloc (09022015). Collection method: clinical testing. Allele origin: germline.
Comment: This sequence change replaces threonine, which is neutral and polar, with alanine, which is neutral and non-polar, at codon 1040 of the ERBIN protein (p.Thr1040Ala). This variant is present in population databases (rs768204257, gnomAD 0.004%). This variant has not been reported in the literature in individuals affected with ERBIN-related conditions. ClinVar contains an entry for this variant (Variation ID: 1432756). An algorithm developed to predict the effect of missense changes on protein structure and function outputs the following: PolyPhen-2: "Benign". The alanine amino acid residue is found in multiple mammalian species, which suggests that this missense change does not adversely affect protein function. In summary, the available evidence is currently insufficient to determine the role of this variant in disease. Therefore, it has been classified as a Variant of Uncertain Significance.